The following is an entry in ClinVar:

ClinVar aggregate classification (germline): Uncertain significance (1 of 4 stars; one submission).

Submission:

Ambry Genetics
Classification: Uncertain significance. Last evaluated: 2026-07-15. Review status: criteria provided, single submitter. Criteria: Ambry Variant Classification Scheme 2023. Collection method: clinical testing. Allele origin: germline.
Comment: The p.L642F variant (also known as c.1926A>C), located in coding exon 19 of the KIF1B gene, results from an A to C substitution at nucleotide position 1926. The leucine at codon 642 is replaced by phenylalanine, an amino acid with highly similar properties. This amino acid position is conserved. In addition, this alteration is predicted to be tolerated by in silico analysis. Based on the available evidence, the clinical significance of this variant remains unclear.

NM_001365951.3(KIF1B):c.2064A>C (p.Leu688Phe)

Gene: KIF1B (kinesin family member 1B; plus strand). Cytogenetic location: 1p36.22.
Variant type: single nucleotide variant.
Coding change: c.2064A>C on transcript NM_001365951.3 (MANE Select); coding-DNA position 2064, A replaced by C.
Protein change: p.Leu688Phe; replaces leucine 688 with phenylalanine.
Molecular consequence: missense variant.
Genome position (GRCh38, 1-based): chr1:10,297,195, A>C. VCF-style: chr1-10297195-A-C. GRCh37 (hg19) VCF-style: chr1-10357253-A-C.
Other names: c.2064A>C, p.Leu688Phe (NM_001365952.1); c.1926A>C, p.Leu642Phe (NM_001365953.1, NM_015074.3, NM_183416.4); short protein forms L688F, L642F.
Identifiers: ClinVar variation 5023200 (VCV005023200.1).